The following is an entry in ClinVar:

ClinVar aggregate classification (germline): Uncertain significance (1 of 4 stars; one submission).

Submission:

GeneDx
Classification: Uncertain significance. Last evaluated: 2020-10-30. Review status: criteria provided, single submitter. Criteria: GeneDx Variant Classification Process June 2021. Collection method: clinical testing. Allele origin: germline. Affected: yes.
Comment: Not observed in large population cohorts (Lek et al., 2016); In silico analysis supports that this missense variant has a deleterious effect on protein structure/function; Has not been previously published as pathogenic or benign to our knowledge

NM_004247.4(EFTUD2):c.2426T>C (p.Ile809Thr)

Gene: EFTUD2 (elongation factor Tu GTP binding domain containing 2; minus strand). Cytogenetic location: 17q21.31.
Variant type: single nucleotide variant.
Coding change: c.2426T>C on transcript NM_004247.4 (MANE Select); coding-DNA position 2426, T replaced by C.
Protein change: p.Ile809Thr; replaces isoleucine 809 with threonine.
Molecular consequence: missense variant.
Genome position (GRCh38, 1-based): chr17:44,853,557, A>G on the plus strand (T>C on the coding strand, the complement: EFTUD2 is on the minus strand). VCF-style: chr17-44853557-A-G. GRCh37 (hg19) VCF-style: chr17-42930925-A-G.
Other names: c.2321T>C, p.Ile774Thr (NM_001142605.2); c.2426T>C, p.Ile809Thr (NM_001258353.2); c.2396T>C, p.Ile799Thr (NM_001258354.2); short protein forms I774T, I799T, I809T.
Identifiers: ClinVar variation 1313564 (VCV001313564.2), dbSNP rs2145434884, ClinGen allele CA399840196.
Genomic context (GRCh38, chr17:44,853,557, plus strand): 5'-CTACCGCCCCATTCTCTTACCATGAGGAAGGCAGAGTAGACGACTCTCCTGGCTGTGGGG[A>G]TGATCTGGCCCCCGCCCCGGTGCAGGGGCTCCTGGGCAACCACCGCATCCAGGATCTTAA-3'
Protein context (NP_004238.3, residues 799-819): EPLHRGGGQI[Ile809Thr]PTARRVVYSA